The following is an entry in ClinVar:

NM_015346.4(ZFYVE26):c.4341_4342delinsA (p.Asp1448fs)

Gene: ZFYVE26 (zinc finger FYVE-type containing 26; minus strand). Cytogenetic location: 14q24.1.
Variant type: Indel.
Coding change: c.4341_4342delinsA on transcript NM_015346.4 (MANE Select); coding-DNA positions 4341 to 4342, GG replaced by A.
Protein change: p.Asp1448fs; shifts the reading frame from aspartic acid 1448.
Molecular consequence: frameshift variant.
Genome position (GRCh38, 1-based): chr14:67,782,810-67,782,811, CC replaced by T on the plus strand (GG replaced by A on the coding strand, the reverse complement: ZFYVE26 is on the minus strand). VCF-style: chr14-67782810-CC-T. GRCh37 (hg19) VCF-style: chr14-68249527-CC-T.
Other names: short protein forms D1448fs.
Identifiers: ClinVar variation 1724617 (VCV001724617.2), dbSNP rs2502804760, ClinGen allele CA2580088638.

ClinVar aggregate classification (germline): Likely pathogenic (1 of 4 stars; one submission).

Conditions:
Hereditary spastic paraplegia 15 (SPG15). Also called: SPASTIC PARAPLEGIA 15, AUTOSOMAL RECESSIVE; KJELLIN SYNDROME; SPASTIC PARAPLEGIA AND RETINAL DEGENERATION. Identifiers: Orphanet 100996, MedGen C1849128, MONDO:0010044, OMIM 270700.

Submission:

Myriad Genetics, Inc.
Classification: Likely pathogenic for Hereditary spastic paraplegia 15. Last evaluated: 2022-02-22. Review status: criteria provided, single submitter. Criteria: Myriad Women's Health Autosomal Recessive and X-Linked Classification Criteria (2021). Collection method: clinical testing. Allele origin: unknown.
Comment: NM_015346.3(ZFYVE26):c.4341_4342delGGinsA(D1448Mfs*4) is expected to be pathogenic in the context of spastic paraplegia type 15. This variant is predicted to lead to an abnormal or absent protein product due to the creation of a premature termination codon in ZFYVE26, a gene where loss-of-function variants are known to be pathogenic. Please note: this variant was assessed in the context of healthy population screening.